The following is an entry in ClinVar:

NM_000257.4(MYH7):c.986T>C (p.Leu329Pro)

Gene: MYH7 (myosin heavy chain 7; minus strand). Cytogenetic location: 14q11.2.
Variant type: single nucleotide variant.
Coding change: c.986T>C on transcript NM_000257.4 (MANE Select); coding-DNA position 986, T replaced by C.
Protein change: p.Leu329Pro; replaces leucine 329 with proline.
Molecular consequence: missense variant.
Genome position (GRCh38, 1-based): chr14:23,430,573, A>G on the plus strand (T>C on the coding strand, the complement: MYH7 is on the minus strand). VCF-style: chr14-23430573-A-G. GRCh37 (hg19) VCF-style: chr14-23899782-A-G.
Other names: short protein forms L329P.
Identifiers: ClinVar variation 1507848 (VCV001507848.9), dbSNP rs2138679130, ClinGen allele CA389051613.

ClinVar aggregate classification (germline): Uncertain significance. Review status: criteria provided, multiple submitters, no conflicts (2 of 4 stars). 2 submissions from 2 submitters: Uncertain significance (2). Last evaluated 2022-11-11.

Conditions:
Hypertrophic cardiomyopathy. Also called: HYPERTROPHIC MYOCARDIOPATHY. Identifiers: Orphanet 217569, MedGen C0007194, MeSH D002312, MONDO:0005045, HP:0001639.

Submissions (2):

Blueprint Genetics
Classification: Uncertain significance. Last evaluated: 2022-11-11. Review status: criteria provided, single submitter. Criteria: ACMG Guidelines, 2015. Collection method: clinical testing. Allele origin: germline.

Labcorp Genetics (formerly Invitae), Labcorp
Classification: Uncertain significance for Hypertrophic cardiomyopathy. Last evaluated: 2021-12-24. Review status: criteria provided, single submitter. Criteria: Invitae Variant Classification Sherloc (09022015). Collection method: clinical testing. Allele origin: germline.
Comment: This variant is found within a region of MYH7 between codons 181 and 937 that contains the majority of the myosin head domain. Missense variants in this region have been shown to be significantly overrepresented in individuals with hypertrophic cardiomyopathy (PMID: 27532257). This sequence change replaces leucine, which is neutral and non-polar, with proline, which is neutral and non-polar, at codon 329 of the MYH7 protein (p.Leu329Pro). This variant is not present in population databases (gnomAD no frequency). This variant has not been reported in the literature in individuals affected with MYH7-related conditions. Algorithms developed to predict the effect of missense changes on protein structure and function are either unavailable or do not agree on the potential impact of this missense change (SIFT: "Deleterious"; PolyPhen-2: "Probably Damaging"; Align-GVGD: "Class C0"). In summary, the available evidence is currently insufficient to determine the role of this variant in disease. Therefore, it has been classified as a Variant of Uncertain Significance.

Literature cited by the submitters: PubMed 27532257 (cited by Labcorp Genetics (formerly Invitae), Labcorp).